The following is an entry in ClinVar:

ClinVar aggregate classification (germline): Uncertain significance (1 of 4 stars; one submission).

Allele frequency attached by ClinVar (database versions not stated): ExAC 0.00001; gnomAD exomes 0.00001.
gnomAD v4.1: 6 of 1,531,626 alleles (0.00039%); highest among the groups gnomAD compares: Middle Eastern, 0.018%; no homozygotes.

Submission:

Labcorp Genetics (formerly Invitae), Labcorp
Classification: Uncertain significance. Last evaluated: 2022-07-31. Review status: criteria provided, single submitter. Criteria: Invitae Variant Classification Sherloc (09022015). Collection method: clinical testing. Allele origin: germline.
Comment: This sequence change replaces aspartic acid, which is acidic and polar, with glutamic acid, which is acidic and polar, at codon 1193 of the TUBGCP6 protein (p.Asp1193Glu). This variant is present in population databases (rs759025850, gnomAD 0.007%). This variant has not been reported in the literature in individuals affected with TUBGCP6-related conditions. Algorithms developed to predict the effect of missense changes on protein structure and function output the following: SIFT: "Deleterious"; PolyPhen-2: "Benign"; Align-GVGD: "Class C0". The glutamic acid amino acid residue is found in multiple mammalian species, which suggests that this missense change does not adversely affect protein function. In summary, the available evidence is currently insufficient to determine the role of this variant in disease. Therefore, it has been classified as a Variant of Uncertain Significance.

NM_020461.4(TUBGCP6):c.3579T>G (p.Asp1193Glu)

Gene: TUBGCP6 (tubulin gamma complex component 6; minus strand). Cytogenetic location: 22q13.33.
Variant type: single nucleotide variant.
Coding change: c.3579T>G on transcript NM_020461.4 (MANE Select); coding-DNA position 3579, T replaced by G.
Protein change: p.Asp1193Glu; replaces aspartic acid 1193 with glutamic acid.
Molecular consequence: missense variant.
Genome position (GRCh38, 1-based): chr22:50,220,780, A>C on the plus strand (T>G on the coding strand, the complement: TUBGCP6 is on the minus strand). VCF-style: chr22-50220780-A-C. GRCh37 (hg19) VCF-style: chr22-50659209-A-C.
Other names: short protein forms D1193E.
Identifiers: ClinVar variation 2097014 (VCV002097014.1), dbSNP rs759025850, ClinGen allele CA10307898.